The following is an entry in ClinVar:

NM_001367624.2(ZNF469):c.3349C>G (p.Arg1117Gly)

Gene: ZNF469 (zinc finger protein 469; plus strand). Cytogenetic location: 16q24.2.
Variant type: single nucleotide variant.
Coding change: c.3349C>G on transcript NM_001367624.2 (MANE Select); coding-DNA position 3349, C replaced by G.
Protein change: p.Arg1117Gly; replaces arginine 1117 with glycine.
Molecular consequence: missense variant.
Genome position (GRCh38, 1-based): chr16:88,430,819, C>G. VCF-style: chr16-88430819-C-G. GRCh37 (hg19) VCF-style: chr16-88497227-C-G.
Other names: NM_001127464.1:c.3265C>G; short protein forms R1117G.
Identifiers: ClinVar variation 3232785 (VCV003232785.1), dbSNP rs1906114097, ClinGen allele CA397080294.
Genomic context (GRCh38, chr16:88,430,819, plus strand): 5'-GAGTCCGAGGAGGACGAGCAGCCTCCGCCGCGGGGCCCCGGCTTCAGAGGCCGGCGGGGC[C>G]GAGGCGAGAAGAGGAAGGAAGTGGAGCTGACCCAGGGTCCCAGAGAGGATGAGCCACAGA-3'
Protein context (NP_001354553.1, residues 1107-1127): RGPGFRGRRG[Arg1117Gly]GEKRKEVELT

ClinVar aggregate classification (germline): Uncertain significance (1 of 4 stars; one submission).

Conditions:
Cardiovascular phenotype. Identifiers: MedGen CN230736.

Allele frequency attached by ClinVar (database versions not stated): TOPMed below 0.00001; gnomAD 0.00001.
gnomAD v4.1: 4 of 1,532,912 alleles (0.00026%); highest among the groups gnomAD compares: Non-Finnish European, 0.00035%; no homozygotes.

Submission:

Ambry Genetics
Classification: Uncertain significance for Cardiovascular phenotype. Last evaluated: 2023-11-17. Review status: criteria provided, single submitter. Criteria: Ambry Variant Classification Scheme 2023. Collection method: clinical testing. Allele origin: germline.
Comment: The p.R1089G variant (also known as c.3265C>G), located in coding exon 2 of the ZNF469 gene, results from a C to G substitution at nucleotide position 3265. The arginine at codon 1089 is replaced by glycine, an amino acid with dissimilar properties. This amino acid position is conserved. In addition, this alteration is predicted to be tolerated by in silico analysis. Since supporting evidence is limited at this time, the clinical significance of this alteration remains unclear.